The following is an entry in ClinVar:

ClinVar aggregate classification (germline): Uncertain significance (1 of 4 stars; one submission).

Submission:

Labcorp Genetics (formerly Invitae), Labcorp
Classification: Uncertain significance. Last evaluated: 2022-07-19. Review status: criteria provided, single submitter. Criteria: Invitae Variant Classification Sherloc (09022015). Collection method: clinical testing. Allele origin: germline.
Comment: ClinVar contains an entry for this variant (Variation ID: 1480626). In summary, the available evidence is currently insufficient to determine the role of this variant in disease. Therefore, it has been classified as a Variant of Uncertain Significance. Algorithms developed to predict the effect of missense changes on protein structure and function are either unavailable or do not agree on the potential impact of this missense change (SIFT: "Deleterious"; PolyPhen-2: "Benign"; Align-GVGD: "Class C0"). This variant has not been reported in the literature in individuals affected with SLC24A1-related conditions. This variant is not present in population databases (gnomAD no frequency). This sequence change replaces lysine, which is basic and polar, with glutamic acid, which is acidic and polar, at codon 221 of the SLC24A1 protein (p.Lys221Glu).

NM_004727.3(SLC24A1):c.661A>G (p.Lys221Glu)

Gene: SLC24A1 (solute carrier family 24 member 1; plus strand). Cytogenetic location: 15q22.31.
Variant type: single nucleotide variant.
Coding change: c.661A>G on transcript NM_004727.3 (MANE Select); coding-DNA position 661, A replaced by G.
Protein change: p.Lys221Glu; replaces lysine 221 with glutamic acid.
Molecular consequence: missense variant.
Genome position (GRCh38, 1-based): chr15:65,624,741, A>G. VCF-style: chr15-65624741-A-G. GRCh37 (hg19) VCF-style: chr15-65917079-A-G.
Other names: c.661A>G, p.Lys221Glu (NM_001301031.1, NM_001301032.1, NM_001301033.2); short protein forms K221E.
Identifiers: ClinVar variation 1480626 (VCV001480626.6), dbSNP rs2141461997, ClinGen allele CA392914545.